The following is an entry in ClinVar:

NM_024642.5(GALNT12):c.1168G>A (p.Glu390Lys)

Gene: GALNT12 (polypeptide N-acetylgalactosaminyltransferase 12; plus strand). Cytogenetic location: 9q22.33.
Variant type: single nucleotide variant.
Coding change: c.1168G>A on transcript NM_024642.5 (MANE Select); coding-DNA position 1168, G replaced by A.
Protein change: p.Glu390Lys; replaces glutamic acid 390 with lysine.
Molecular consequence: missense variant.
Genome position (GRCh38, 1-based): chr9:98,837,104, G>A. VCF-style: chr9-98837104-G-A. GRCh37 (hg19) VCF-style: chr9-101599386-G-A.
Other names: short protein forms E390K.
Identifiers: ClinVar variation 4871643 (VCV004871643.1).

ClinVar aggregate classification (germline): Uncertain significance (1 of 4 stars; one submission).

Submission:

Ambry Genetics
Classification: Uncertain significance. Last evaluated: 2026-04-12. Review status: criteria provided, single submitter. Criteria: Ambry Variant Classification Scheme 2023. Collection method: clinical testing. Allele origin: germline.
Comment: The p.E390K variant (also known as c.1168G>A), located in coding exon 6 of the GALNT12 gene, results from a G to A substitution at nucleotide position 1168. The glutamic acid at codon 390 is replaced by lysine, an amino acid with similar properties. This amino acid position is conserved. In addition, the in silico prediction for this alteration is inconclusive. Based on the available evidence, the clinical significance of this variant remains unclear.